The following is an entry in ClinVar:

ClinVar aggregate classification (germline): Conflicting classifications of pathogenicity. Review status: criteria provided, conflicting classifications (1 of 4 stars). 2 submissions from 2 submitters: Uncertain significance (1); Likely benign (1). Last evaluated 2025-01-19.

Allele frequency attached by ClinVar (database versions not stated): ExAC 0.00017; gnomAD 0.00025; 1000 Genomes Project 0.00026; TOPMed 0.00041; 1000 Genomes Project 30x 0.00042; ESP Exome Variant Server 0.00047; gnomAD exomes 0.00049.
gnomAD v4.1: 554 of 1,209,544 alleles (0.046%); highest among the groups gnomAD compares: Non-Finnish European, 0.057%; no homozygotes.

Submissions (2):

Ambry Genetics
Classification: Uncertain significance. Last evaluated: 2025-01-19. Review status: criteria provided, single submitter. Criteria: Ambry Variant Classification Scheme 2023. Collection method: clinical testing. Allele origin: germline.

CeGaT Center for Human Genetics Tuebingen
Classification: Likely benign. Last evaluated: 2024-06-01. Review status: criteria provided, single submitter. Criteria: CeGaT Center For Human Genetics Tuebingen Variant Classification Criteria Version 2. Collection method: clinical testing. Allele origin: germline. Affected: yes. Observed: 1 variant allele.
Comment: SAT1: PP2, BS2

NM_002970.4(SAT1):c.35C>A (p.Ala12Asp)

Genes: SAT1 (spermidine/spermine N1-acetyltransferase 1; plus strand), LOC126863228 (BRD4-independent group 4 enhancer GRCh37_chrX:23800811-23802010; plus strand). Cytogenetic location: Xp22.11.
Variant type: single nucleotide variant.
Coding change: c.35C>A on transcript NM_002970.4 (MANE Select); coding-DNA position 35, C replaced by A.
Protein change: p.Ala12Asp; replaces alanine 12 with aspartic acid.
Molecular consequence: missense variant. On other transcripts: non-coding transcript variant (1).
Genome position (GRCh38, 1-based): chrX:23,783,386, C>A. VCF-style: chrX-23783386-C-A. GRCh37 (hg19) VCF-style: chrX-23801503-C-A.
Other names: short protein forms A12D.
Identifiers: ClinVar variation 3157918 (VCV003157918.20), dbSNP rs139915283, ClinGen allele CA10369836.